The following is an entry in ClinVar:

NM_004187.5(KDM5C):c.1586G>C (p.Gly529Ala)

Gene: KDM5C (lysine demethylase 5C; minus strand). Cytogenetic location: Xp11.22.
Variant type: single nucleotide variant.
Coding change: c.1586G>C on transcript NM_004187.5 (MANE Select); coding-DNA position 1586, G replaced by C.
Protein change: p.Gly529Ala; replaces glycine 529 with alanine.
Molecular consequence: missense variant. On other transcripts: non-coding transcript variant (3).
Genome position (GRCh38, 1-based): chrX:53,210,574, C>G on the plus strand (G>C on the coding strand, the complement: KDM5C is on the minus strand). VCF-style: chrX-53210574-C-G. GRCh37 (hg19) VCF-style: chrX-53239756-C-G.
Other names: c.1385G>C, p.Gly462Ala (NM_001146702.2); c.1583G>C, p.Gly528Ala (NM_001282622.3, NM_001353979.2, NM_001353982.2); c.1586G>C, p.Gly529Ala (NM_001353978.3, NM_001353981.2, NM_001353984.2); short protein forms G462A, G528A, G529A.
Identifiers: ClinVar variation 1321291 (VCV001321291.1), dbSNP rs2146914851, ClinGen allele CA413128031.

ClinVar aggregate classification (germline): Uncertain significance (1 of 4 stars; one submission).

Conditions:
Intellectual developmental disorder, X-linked, syndromic, Claes-Jensen type. Also called: INTELLECTUAL DEVELOPMENTAL DISORDER, X-LINKED, SYNDROMIC 16; MENTAL RETARDATION, X-LINKED, SYNDROMIC 16; Syndromic X-linked intellectual disability Claes-Jensen type. Identifiers: Orphanet 85279, MedGen C1845243, MONDO:0010355, OMIM 300534.

Submission:

3billion
Classification: Uncertain significance for Intellectual developmental disorder, X-linked, syndromic, Claes-Jensen type. Last evaluated: 2021-10-25. Review status: criteria provided, single submitter. Criteria: ACMG Guidelines, 2015. Collection method: clinical testing. Allele origin: unknown. Affected: yes. Observed: 1 hemizygote.
Comment: This variant is not observed in the gnomAD v2.1.1 dataset (PM2). In silico tool predictions suggest damaging effect of the variant on gene or gene product (REVEL: 0.967, 3Cnet: 0.973, PP3). Therefore, this variant is classified as uncertain significance according to the recommendation of ACMG/AMP guideline.